The following is an entry in ClinVar:

NM_002432.3(MNDA):c.479G>A (p.Gly160Asp)

Gene: MNDA (myeloid cell nuclear differentiation antigen; plus strand). Cytogenetic location: 1q23.1.
Variant type: single nucleotide variant.
Coding change: c.479G>A on transcript NM_002432.3 (MANE Select); coding-DNA position 479, G replaced by A.
Protein change: p.Gly160Asp; replaces glycine 160 with aspartic acid.
Molecular consequence: missense variant.
Genome position (GRCh38, 1-based): chr1:158,844,031, G>A. VCF-style: chr1-158844031-G-A. GRCh37 (hg19) VCF-style: chr1-158813821-G-A.
Other names: short protein forms G160D.
Identifiers: ClinVar variation 2448159 (VCV002448159.2), dbSNP rs2526081689, ClinGen allele CA343039288.
Genomic context (GRCh38, chr1:158,844,031, plus strand): 5'-ACAAAGAAAAGACTGAAGCCAAAAGGAATAAGGTGTCCCAAGAGCAGAGTAAGCCCCCAG[G>A]TCCCTCAGGAGCCAGCACATCTGCAGCTGTGGATCATCCCCCACTACCCCAGACCTCATC-3'
Protein context (NP_002423.1, residues 150-170): KVSQEQSKPP[Gly160Asp]PSGASTSAAV

ClinVar aggregate classification (germline): Uncertain significance (1 of 4 stars; one submission).

Allele frequency attached by ClinVar (database versions not stated): gnomAD exomes below 0.00001.
gnomAD v4.1: 1 of 1,613,666 alleles (0.000062%); highest among the groups gnomAD compares: Non-Finnish European, 0.000085%; no homozygotes.

Submission:

Ambry Genetics
Classification: Uncertain significance. Last evaluated: 2022-11-05. Review status: criteria provided, single submitter. Criteria: Ambry Variant Classification Scheme 2023. Collection method: clinical testing. Allele origin: germline.
Comment: The p.G160D variant (also known as c.479G>A), located in coding exon 3 of the MNDA gene, results from a G to A substitution at nucleotide position 479. The glycine at codon 160 is replaced by aspartic acid, an amino acid with similar properties. This amino acid position is conserved. In addition, this alteration is predicted to be tolerated by in silico analysis. Since supporting evidence is limited at this time, the clinical significance of this alteration remains unclear.